The following is an entry in ClinVar:

NM_002645.4(PIK3C2A):c.2259A>G (p.Gln753=)

Gene: PIK3C2A (phosphatidylinositol-4-phosphate 3-kinase catalytic subunit type 2 alpha; minus strand). Cytogenetic location: 11p15.1.
Variant type: single nucleotide variant.
Coding change: c.2259A>G on transcript NM_002645.4 (MANE Select); coding-DNA position 2259, A replaced by G.
Protein change: p.Gln753=; no amino-acid change (glutamine 753 retained).
Molecular consequence: synonymous variant. On other transcripts: intron variant (1).
Genome position (GRCh38, 1-based): chr11:17,129,440, T>C on the plus strand (A>G on the coding strand, the complement: PIK3C2A is on the minus strand). VCF-style: chr11-17129440-T-C. GRCh37 (hg19) VCF-style: chr11-17150987-T-C.
Other names: c.2259A>G, p.Gln753= (NM_001321378.2); c.1119A>G, p.Gln373= (NM_001321380.2); c.2231+2476A>G (NM_001386870.1); c.2259A>G (NM_001321378.1).
Identifiers: ClinVar variation 2043799 (VCV002043799.6), dbSNP rs140281300, ClinGen allele CA5901139.

ClinVar aggregate classification (germline): Likely benign. Review status: criteria provided, single submitter (1 of 4 stars). 2 submissions from 2 submitters: Likely benign (1). 1 of the submissions does not count toward it. Last evaluated 2025-06-13.

Conditions:
PIK3C2A-related disorder. Also called: PIK3C2A-related condition.

Allele frequency attached by ClinVar (database versions not stated): gnomAD exomes 0.00009; 1000 Genomes Project 30x 0.00016; ExAC 0.00018; 1000 Genomes Project 0.00020; gnomAD 0.00085; ESP Exome Variant Server 0.00100; TOPMed 0.00114.
gnomAD v4.1: 258 of 1,607,524 alleles (0.016%); highest among the groups gnomAD compares: African/African-American, 0.32%; 2 homozygotes.

Submissions (2):

Labcorp Genetics (formerly Invitae), Labcorp
Classification: Likely benign. Last evaluated: 2025-06-13. Review status: criteria provided, single submitter. Criteria: Invitae Variant Classification Sherloc (09022015). Collection method: clinical testing. Allele origin: germline.

PreventionGenetics, part of Exact Sciences
Classification: Likely benign for PIK3C2A-related condition. Last evaluated: 2019-11-26. Review status: no assertion criteria provided. Collection method: clinical testing. Allele origin: germline. Not counted in ClinVar's aggregate classification.
Comment: This variant is classified as likely benign based on ACMG/AMP sequence variant interpretation guidelines (Richards et al. 2015 PMID: 25741868, with internal and published modifications).